The following is an entry in ClinVar:

NM_006445.4(PRPF8):c.3774+6G>A

Gene: PRPF8 (pre-mRNA processing factor 8; minus strand). Cytogenetic location: 17p13.3.
Variant type: single nucleotide variant.
Coding change: c.3774+6G>A on transcript NM_006445.4 (MANE Select); 6 bases into the intron after coding-DNA position 3774, G replaced by A.
Molecular consequence: intron variant.
Genome position (GRCh38, 1-based): chr17:1,673,075, C>T on the plus strand (G>A on the coding strand, the complement: PRPF8 is on the minus strand). VCF-style: chr17-1673075-C-T. GRCh37 (hg19) VCF-style: chr17-1576369-C-T.
Identifiers: ClinVar variation 321889 (VCV000321889.13), dbSNP rs11078563, ClinGen allele CA8271801.

ClinVar aggregate classification (germline): Benign. Review status: criteria provided, multiple submitters, no conflicts (2 of 4 stars). 3 submissions from 3 submitters: Benign (3). Last evaluated 2026-02-03.

Conditions:
Retinitis pigmentosa (RP). Identifiers: Orphanet 791, MedGen C0035334, MeSH D012174, MONDO:0019200, OMIM 268000. Inheritance: Autosomal dominant, autosomal recessive and X linked inheritance.

Allele frequency attached by ClinVar (database versions not stated): gnomAD 0.31089 and 0.30084; ESP Exome Variant Server 0.32816; gnomAD exomes 0.20710; ExAC 0.21714; 1000 Genomes Project 0.27356; 1000 Genomes Project 30x 0.28201; TOPMed 0.30792.
gnomAD v4.1: 348,823 of 1,613,478 alleles (22%); highest among the groups gnomAD compares: African/African-American, 58%; 44,357 homozygotes.

Submissions (3):

Labcorp Genetics (formerly Invitae), Labcorp
Classification: Benign. Last evaluated: 2026-02-03. Review status: criteria provided, single submitter. Criteria: Invitae Variant Classification Sherloc (09022015). Collection method: clinical testing. Allele origin: germline.

Illumina Laboratory Services, Illumina
Classification: Benign for Retinitis pigmentosa. Last evaluated: 2018-01-13. Review status: criteria provided, single submitter. Criteria: ICSL Variant Classification Criteria 13 December 2019. Collection method: clinical testing. Allele origin: germline.
Comment: This variant was observed in the ICSL laboratory as part of a predisposition screen in an ostensibly healthy population. It had not been previously curated by ICSL or reported in the Human Gene Mutation Database (HGMD: prior to June 1st, 2018), and was therefore a candidate for classification through an automated scoring system. Utilizing variant allele frequency, disease prevalence and penetrance estimates, and inheritance mode, an automated score was calculated to assess if this variant is too frequent to cause the disease. Based on the score and internal cut-off values, a variant classified as benign is not then subjected to further curation. The score for this variant resulted in a classification of benign for this disease.

Breakthrough Genomics
Classification: Benign. Review status: criteria provided, single submitter. Criteria: ACMG Guidelines, 2015. Collection method: not provided. Allele origin: germline. Inheritance: Autosomal dominant inheritance. Affected: yes.